The following is an entry in ClinVar:

NM_182914.3(SYNE2):c.3395A>T (p.Asn1132Ile)

Gene: SYNE2 (spectrin repeat containing nuclear envelope protein 2; plus strand). Cytogenetic location: 14q23.2.
Variant type: single nucleotide variant.
Coding change: c.3395A>T on transcript NM_182914.3 (MANE Select); coding-DNA position 3395, A replaced by T.
Protein change: p.Asn1132Ile; replaces asparagine 1132 with isoleucine.
Molecular consequence: missense variant.
Genome position (GRCh38, 1-based): chr14:63,998,955, A>T. VCF-style: chr14-63998955-A-T. GRCh37 (hg19) VCF-style: chr14-64465673-A-T.
Other names: c.3395A>T, p.Asn1132Ile (NM_015180.6); short protein forms N1132I.
Identifiers: ClinVar variation 1063032 (VCV001063032.9), dbSNP rs1175611635, ClinGen allele CA389991224.
Genomic context (GRCh38, chr14:63,998,955, plus strand): 5'-TGCATTTCATTTTGCCCAGGTATGATACATACAGAGATATTCTTGAACACCACCTGCAAA[A>T]CAACAAATTCAGGATTACTTCTGATTTCTCTAGTGAAGAGGACAGGAGTAGTTCTTGTCT-3'
Protein context (NP_878918.2, residues 1122-1142): YRDILEHHLQ[Asn1132Ile]NKFRITSDFS

ClinVar aggregate classification (germline): Uncertain significance (1 of 4 stars; one submission).

Conditions:
Emery-Dreifuss muscular dystrophy 5, autosomal dominant (EDMD5). Also called: EMERY-DREIFUSS MUSCULAR DYSTROPHY 5. Identifiers: Orphanet 261, MedGen C2751805, MONDO:0013072, OMIM 612999.

Allele frequency attached by ClinVar (database versions not stated): gnomAD exomes below 0.00001; TOPMed below 0.00001.
gnomAD v4.1: 1 of 1,614,134 alleles (0.000062%); highest among the groups gnomAD compares: Admixed American, 0.0017%; no homozygotes.

Submission:

Labcorp Genetics (formerly Invitae), Labcorp
Classification: Uncertain significance for Emery-Dreifuss muscular dystrophy 5, autosomal dominant. Last evaluated: 2022-07-12. Review status: criteria provided, single submitter. Criteria: Invitae Variant Classification Sherloc (09022015). Collection method: clinical testing. Allele origin: germline.
Comment: ClinVar contains an entry for this variant (Variation ID: 1063032). Algorithms developed to predict the effect of missense changes on protein structure and function are either unavailable or do not agree on the potential impact of this missense change (SIFT: "Tolerated"; PolyPhen-2: "Possibly Damaging"; Align-GVGD: "Class C0"). In summary, the available evidence is currently insufficient to determine the role of this variant in disease. Therefore, it has been classified as a Variant of Uncertain Significance. This sequence change replaces asparagine, which is neutral and polar, with isoleucine, which is neutral and non-polar, at codon 1132 of the SYNE2 protein (p.Asn1132Ile). This variant is present in population databases (no rsID available, gnomAD 0.003%). This variant has not been reported in the literature in individuals affected with SYNE2-related conditions.